The following is an entry in ClinVar:

NM_052947.4(ALPK2):c.6188C>A (p.Thr2063Asn)

Gene: ALPK2 (alpha kinase 2; minus strand). Cytogenetic location: 18q21.31.
Variant type: single nucleotide variant.
Coding change: c.6188C>A on transcript NM_052947.4 (MANE Select); coding-DNA position 6188, C replaced by A.
Protein change: p.Thr2063Asn; replaces threonine 2063 with asparagine.
Molecular consequence: missense variant.
Genome position (GRCh38, 1-based): chr18:58,503,990, G>T on the plus strand (C>A on the coding strand, the complement: ALPK2 is on the minus strand). VCF-style: chr18-58503990-G-T. GRCh37 (hg19) VCF-style: chr18-56171222-G-T.
Other names: short protein forms T2063N.
Identifiers: ClinVar variation 1752089 (VCV001752089.3), dbSNP rs1380281872, ClinGen allele CA402543402.

ClinVar aggregate classification (germline): Uncertain significance (1 of 4 stars; one submission).

Allele frequency attached by ClinVar (database versions not stated): gnomAD exomes below 0.00001; gnomAD 0.00001; TOPMed 0.00001.
gnomAD v4.1: 3 of 1,614,072 alleles (0.00019%); highest among the groups gnomAD compares: African/African-American, 0.004%; no homozygotes.

Submission:

Ambry Genetics
Classification: Uncertain significance. Last evaluated: 2023-08-04. Review status: criteria provided, single submitter. Criteria: Ambry Variant Classification Scheme 2023. Collection method: clinical testing. Allele origin: germline.
Comment: The p.T2063N variant (also known as c.6188C>A), located in coding exon 10 of the ALPK2 gene, results from a C to A substitution at nucleotide position 6188. The threonine at codon 2063 is replaced by asparagine, an amino acid with similar properties. This amino acid position is conserved. In addition, this alteration is predicted to be tolerated by in silico analysis. Since supporting evidence is limited at this time, the clinical significance of this alteration remains unclear.